The following is an entry in ClinVar:

ClinVar aggregate classification (germline): Uncertain significance (1 of 4 stars; one submission).

Allele frequency attached by ClinVar (database versions not stated): gnomAD exomes below 0.00001.
gnomAD v4.1: 1 of 1,614,116 alleles (0.000062%); no homozygotes.

Submission:

Labcorp Genetics (formerly Invitae), Labcorp
Classification: Uncertain significance. Last evaluated: 2022-05-21. Review status: criteria provided, single submitter. Criteria: Invitae Variant Classification Sherloc (09022015). Collection method: clinical testing. Allele origin: germline.
Comment: Algorithms developed to predict the effect of missense changes on protein structure and function (SIFT, PolyPhen-2, Align-GVGD) all suggest that this variant is likely to be tolerated. In summary, the available evidence is currently insufficient to determine the role of this variant in disease. Therefore, it has been classified as a Variant of Uncertain Significance. ClinVar contains an entry for this variant (Variation ID: 953699). This variant has not been reported in the literature in individuals affected with TUBGCP4-related conditions. This variant is present in population databases (no rsID available, gnomAD 0.0009%). This sequence change replaces histidine, which is basic and polar, with proline, which is neutral and non-polar, at codon 378 of the TUBGCP4 protein (p.His378Pro).

NM_014444.5(TUBGCP4):c.1133A>C (p.His378Pro)

Gene: TUBGCP4 (tubulin gamma complex component 4; plus strand). Cytogenetic location: 15q15.3.
Variant type: single nucleotide variant.
Coding change: c.1133A>C on transcript NM_014444.5 (MANE Select); coding-DNA position 1133, A replaced by C.
Protein change: p.His378Pro; replaces histidine 378 with proline.
Molecular consequence: missense variant.
Genome position (GRCh38, 1-based): chr15:43,395,650, A>C. VCF-style: chr15-43395650-A-C. GRCh37 (hg19) VCF-style: chr15-43687848-A-C.
Other names: c.1133A>C, p.His378Pro (NM_001286414.3); short protein forms H378P.
Identifiers: ClinVar variation 953699 (VCV000953699.9), dbSNP rs1242790785, ClinGen allele CA392129578.